The following is an entry in ClinVar:

ClinVar aggregate classification (germline): Likely benign. Review status: criteria provided, multiple submitters, no conflicts (2 of 4 stars). 2 submissions from 2 submitters: Likely benign (2). Last evaluated 2023-06-07.

Submissions (2):

Labcorp Genetics (formerly Invitae), Labcorp
Classification: Likely benign. Last evaluated: 2023-06-07. Review status: criteria provided, single submitter. Criteria: Invitae Variant Classification Sherloc (09022015). Collection method: clinical testing. Allele origin: germline.

Women's Health and Genetics/Laboratory Corporation of America, LabCorp
Classification: Likely benign. Last evaluated: 2023-03-09. Review status: criteria provided, single submitter. Criteria: LabCorp Variant Classification Summary - May 2015. Collection method: clinical testing. Allele origin: germline.
Comment: Variant summary: HBB c.372C>G alters a non-conserved nucleotide resulting in a synonymous change. 4/4 computational tools predict no significant impact on normal splicing. However, these predictions have yet to be confirmed by functional studies. The variant was absent in 251284 control chromosomes (gnomAD). The available data on variant occurrences in the general population are insufficient to allow any conclusion about variant significance. To our knowledge, no occurrence of c.372C>G in individuals affected with Hemoglobinopathy and no experimental evidence demonstrating its impact on protein function have been reported. No clinical diagnostic laboratories have submitted clinical-significance assessments for this variant to ClinVar after 2014. Based on the evidence outlined above, the variant was classified as likely benign.

NM_000518.5(HBB):c.372C>G (p.Thr124=)

Genes: HBB (hemoglobin subunit beta; minus strand), LOC107133510 (origin of replication at HBB; plus strand), LOC110006319 (beta-globin gene 3' regulatory region; plus strand). Cytogenetic location: 11p15.4.
Variant type: single nucleotide variant.
Coding change: c.372C>G on transcript NM_000518.5 (MANE Select); coding-DNA position 372, C replaced by G.
Protein change: p.Thr124=; no amino-acid change (threonine 124 retained).
Molecular consequence: synonymous variant.
Genome position (GRCh38, 1-based): chr11:5,225,670, G>C on the plus strand (C>G on the coding strand, the complement: HBB is on the minus strand). VCF-style: chr11-5225670-G-C. GRCh37 (hg19) VCF-style: chr11-5246900-G-C.
Identifiers: ClinVar variation 2501083 (VCV002501083.4), dbSNP rs780307221, ClinGen allele CA472638426.